The following is an entry in ClinVar:

NM_000066.4(C8B):c.1438G>A (p.Ala480Thr)

Gene: C8B (complement C8 beta chain; minus strand). Cytogenetic location: 1p32.2.
Variant type: single nucleotide variant.
Coding change: c.1438G>A on transcript NM_000066.4 (MANE Select); coding-DNA position 1438, G replaced by A.
Protein change: p.Ala480Thr; replaces alanine 480 with threonine.
Molecular consequence: missense variant.
Genome position (GRCh38, 1-based): chr1:56,933,449, C>T on the plus strand (G>A on the coding strand, the complement: C8B is on the minus strand). VCF-style: chr1-56933449-C-T. GRCh37 (hg19) VCF-style: chr1-57399122-C-T.
Other names: c.1282G>A, p.Ala428Thr (NM_001278543.2); c.1252G>A, p.Ala418Thr (NM_001278544.2); c.1438G>A (NM_000066.2); short protein forms A428T, A480T, A418T.
Identifiers: ClinVar variation 1405326 (VCV001405326.7), dbSNP rs924523629, ClinGen allele CA22862613.

ClinVar aggregate classification (germline): Uncertain significance. Review status: criteria provided, multiple submitters, no conflicts (2 of 4 stars). 3 submissions from 3 submitters: Uncertain significance (3). Last evaluated 2023-05-10.

Conditions:
Type II complement component 8 deficiency. Also called: COMPLEMENT C8 DEFICIENCY, TYPE II; C8 BETA DEFICIENCY; C8B DEFICIENCY; COMPLEMENT COMPONENT 8B DEFICIENCY. Identifiers: MedGen C3151080, MONDO:0013421, OMIM 613789.
Inborn genetic diseases. Identifiers: MedGen C0950123, MeSH D030342.

Allele frequency attached by ClinVar (database versions not stated): gnomAD exomes below 0.00001 and 0.00001.
gnomAD v4.1: 4 of 1,613,892 alleles (0.00025%); highest among the groups gnomAD compares: East Asian, 0.0045%; no homozygotes.

Submissions (3):

Ambry Genetics
Classification: Uncertain significance for Inborn genetic diseases. Last evaluated: 2023-05-10. Review status: criteria provided, single submitter. Criteria: Ambry Variant Classification Scheme 2023. Collection method: clinical testing. Allele origin: germline.

Fulgent Genetics
Classification: Uncertain significance for Type II complement component 8 deficiency. Last evaluated: 2022-05-06. Review status: criteria provided, single submitter. Criteria: ACMG Guidelines, 2015. Collection method: clinical testing. Allele origin: unknown.

Labcorp Genetics (formerly Invitae), Labcorp
Classification: Uncertain significance. Last evaluated: 2021-08-30. Review status: criteria provided, single submitter. Criteria: Invitae Variant Classification Sherloc (09022015). Collection method: clinical testing. Allele origin: germline.
Comment: This sequence change replaces alanine with threonine at codon 480 of the C8B protein (p.Ala480Thr). The alanine residue is moderately conserved and there is a small physicochemical difference between alanine and threonine. This variant is not present in population databases (ExAC no frequency). This variant has not been reported in the literature in individuals affected with C8B-related conditions. Algorithms developed to predict the effect of missense changes on protein structure and function (SIFT, PolyPhen-2, Align-GVGD) all suggest that this variant is likely to be tolerated. In summary, the available evidence is currently insufficient to determine the role of this variant in disease. Therefore, it has been classified as a Variant of Uncertain Significance.